The following is an entry in ClinVar:

NM_001278116.2(L1CAM):c.2179G>A (p.Glu727Lys)

Gene: L1CAM (L1 cell adhesion molecule; minus strand). Cytogenetic location: Xq28.
Variant type: single nucleotide variant.
Coding change: c.2179G>A on transcript NM_001278116.2 (MANE Select); coding-DNA position 2179, G replaced by A.
Protein change: p.Glu727Lys; replaces glutamic acid 727 with lysine.
Molecular consequence: missense variant.
Genome position (GRCh38, 1-based): chrX:153,867,083, C>T on the plus strand (G>A on the coding strand, the complement: L1CAM is on the minus strand). VCF-style: chrX-153867083-C-T. GRCh37 (hg19) VCF-style: chrX-153132538-C-T.
Other names: c.2179G>A, p.Glu727Lys (NM_000425.5, NM_024003.3); c.2164G>A, p.Glu722Lys (NM_001143963.2); short protein forms E722K, E727K.
Identifiers: ClinVar variation 1312927 (VCV001312927.3), dbSNP rs1386982536, ClinGen allele CA415121119.

ClinVar aggregate classification (germline): Uncertain significance. Review status: criteria provided, multiple submitters, no conflicts (2 of 4 stars). 2 submissions from 2 submitters: Uncertain significance (2). Last evaluated 2020-07-29.

Conditions:
MASA syndrome. Also called: CRASH syndrome; SPASTIC PARAPLEGIA 1, X-LINKED; MASA Syndrome (Mental Retardation, Adducted Thumbs, Shuffling Gait, and Aphasia); MASA (Mental Retardation, Adducted Thumbs, Shuffling Gait, Aphasia) Syndrome, Including SPG1 (X-Linked Complicated Hereditary Spastic Paraplegia Type 1); ADDUCTED THUMB WITH MENTAL RETARDATION; CLASPED THUMB AND MENTAL RETARDATION. Identifiers: Orphanet 2466, MedGen C0795953, MONDO:0010559, OMIM 303350.
X-linked complicated corpus callosum dysgenesis. Also called: X-Linked Complicated Corpus Callosum Agenesis. Identifiers: Orphanet 1497, MedGen C1839909, MONDO:0010569, OMIM 304100.
X-linked hydrocephalus syndrome (HYCX). Also called: X-Linked Hydrocephalus with Stenosis of the Aqueduct of Sylvius; AQUEDUCTAL STENOSIS, X-LINKED; X-Linked Hydrocephalus with Stenosis of the Aqueduct of Sylvius (HSAS); HYDROCEPHALUS, CONGENITAL, X-LINKED; X-linked hydrocephalus. Identifiers: Orphanet 2182, MedGen C0265216, MONDO:0010611, OMIM 307000.

Allele frequency attached by ClinVar (database versions not stated): gnomAD exomes below 0.00001; gnomAD 0.00001; TOPMed 0.00001.
gnomAD v4.1: 3 of 1,208,913 alleles (0.00025%); highest among the groups gnomAD compares: Non-Finnish European, 0.00034%; no homozygotes.

Submissions (2):

Department of Pathology and Laboratory Medicine, Sinai Health System
Classification: Uncertain significance for MASA syndrome; X-linked complicated corpus callosum dysgenesis; X-linked hydrocephalus syndrome. Last evaluated: 2020-07-29. Review status: criteria provided, single submitter. Criteria: ACMG Guidelines, 2015. Collection method: research. Allele origin: germline.

GeneDx
Classification: Uncertain significance. Last evaluated: 2020-07-02. Review status: criteria provided, single submitter. Criteria: GeneDx Variant Classification Process June 2021. Collection method: clinical testing. Allele origin: germline. Affected: yes.
Comment: Not observed in large population cohorts (Lek et al., 2016); In silico analysis supports that this missense variant has a deleterious effect on protein structure/function; Has not been previously published as pathogenic or benign to our knowledge